The following is an entry in ClinVar:

ClinVar aggregate classification (germline): Uncertain significance (1 of 4 stars; one submission).

Conditions:
Severe combined immunodeficiency due to IKK2 deficiency. Also called: IMMUNODEFICIENCY 15B; Immunodeficiency 15. Identifiers: Orphanet 397787, MedGen C4747743, MONDO:0014267, OMIM 615592.

Allele frequency attached by ClinVar (database versions not stated): ExAC 0.00001; gnomAD exomes 0.00002; TOPMed 0.00002; 1000 Genomes Project 30x 0.00016; 1000 Genomes Project 0.00020.
gnomAD v4.1: 12 of 1,614,166 alleles (0.00074%); highest among the groups gnomAD compares: Admixed American, 0.0017%; no homozygotes.

Submission:

Labcorp Genetics (formerly Invitae), Labcorp
Classification: Uncertain significance for Severe combined immunodeficiency due to IKK2 deficiency. Last evaluated: 2025-02-02. Review status: criteria provided, single submitter. Criteria: Invitae Variant Classification Sherloc (09022015). Collection method: clinical testing. Allele origin: germline.
Comment: This sequence change replaces glutamic acid, which is acidic and polar, with lysine, which is basic and polar, at codon 274 of the IKBKB protein (p.Glu274Lys). This variant is present in population databases (rs200531993, gnomAD 0.004%). This variant has not been reported in the literature in individuals affected with IKBKB-related conditions. ClinVar contains an entry for this variant (Variation ID: 855158). Invitae Evidence Modeling of protein sequence and biophysical properties (such as structural, functional, and spatial information, amino acid conservation, physicochemical variation, residue mobility, and thermodynamic stability) indicates that this missense variant is not expected to disrupt IKBKB protein function with a negative predictive value of 95%. In summary, the available evidence is currently insufficient to determine the role of this variant in disease. Therefore, it has been classified as a Variant of Uncertain Significance.

NM_001556.3(IKBKB):c.820G>A (p.Glu274Lys)

Gene: IKBKB (inhibitor of nuclear factor kappa B kinase subunit beta; plus strand). Cytogenetic location: 8p11.21.
Variant type: single nucleotide variant.
Coding change: c.820G>A on transcript NM_001556.3 (MANE Select); coding-DNA position 820, G replaced by A.
Protein change: p.Glu274Lys; replaces glutamic acid 274 with lysine.
Molecular consequence: missense variant. On other transcripts: non-coding transcript variant (3).
Genome position (GRCh38, 1-based): chr8:42,316,229, G>A. VCF-style: chr8-42316229-G-A. GRCh37 (hg19) VCF-style: chr8-42173747-G-A.
Other names: c.628G>A, p.Glu210Lys (NM_001190720.3); c.643G>A, p.Glu215Lys (NM_001242778.2); short protein forms E274K, E215K, E210K.
Identifiers: ClinVar variation 855158 (VCV000855158.6), dbSNP rs200531993, ClinGen allele CA4731825.